The following is an entry in ClinVar:

NM_001042492.3(NF1):c.3198-5_3198-3del

Gene: NF1 (neurofibromin 1; plus strand). Cytogenetic location: 17q11.2.
Variant type: Deletion.
Coding change: c.3198-5_3198-3del on transcript NM_001042492.3 (MANE Select); 5 bases into the intron before coding-DNA position 3198 through 3 bases into the intron before coding-DNA position 3198, 3 bases deleted (TTC; older notation c.3198-5_3198-3delTTC).
Molecular consequence: intron variant.
Genome position (GRCh38, 1-based): chr17:31,232,068-31,232,070, TTC deleted. VCF-style (leftmost placement, unchanged base first): chr17-31232067-TTTC-T. GRCh37 (hg19) VCF-style: chr17-29559085-TTTC-T.
Other names: c.3198-5_3198-3del (NM_000267.4); c.3198-5_3198-3delTTC (NM_000267.3).
Identifiers: ClinVar variation 1692328 (VCV001692328.1), dbSNP rs2067120967, ClinGen allele CA982966050.
Genomic context (GRCh38, chr17:31,232,067, plus strand): 5'-GGAAGTGAAAGAACTTGAAAGATTCATGGTCTCTAAATTTTTTTTTTTTTTTTTTTTTTT[TTTC>T]AGAGATTTGGACCAGGCAAGCATGGAAGCAGTAGTTTCACTTCTAGCTGGTCTCCCTCTG-3'

ClinVar aggregate classification (germline): Uncertain significance (1 of 4 stars; one submission).

Conditions:
Hereditary cancer-predisposing syndrome. Also called: Hereditary Cancer Syndrome; Hereditary neoplastic syndrome; Neoplastic Syndromes, Hereditary; Tumor predisposition. Identifiers: Orphanet 140162, MedGen C0027672, MeSH D009386, MONDO:0015356.

Submission:

Sema4
Classification: Uncertain significance for Hereditary cancer-predisposing syndrome. Last evaluated: 2021-04-06. Review status: criteria provided, single submitter. Criteria: Sema4 Curation Guidelines. Collection method: curation. Allele origin: germline.
Comment: The NF1 c.3198-5_3198-3delTTC variant has not been reported in the literature to our knowledge. It was not observed in the large and broad cohorts of the Genome Aggregation Database. The variant has not been reported in ClinVar. In silico tools suggest the impact of the variant on splicing is benign, though these predictions have not been confirmed by functional studies. The evidence is insufficient to meet ACMG/AMP criteria for classifying the variant as benign or pathogenic. Thus, the clinical significance of this variant is currently uncertain.